The following is an entry in ClinVar:

NM_001379500.1(COL18A1):c.2651C>T (p.Ala884Val)

Gene: COL18A1 (collagen type XVIII alpha 1 chain; plus strand). Cytogenetic location: 21q22.3.
Variant type: single nucleotide variant.
Coding change: c.2651C>T on transcript NM_001379500.1 (MANE Select); coding-DNA position 2651, C replaced by T.
Protein change: p.Ala884Val; replaces alanine 884 with valine.
Molecular consequence: missense variant.
Genome position (GRCh38, 1-based): chr21:45,497,629, C>T. VCF-style: chr21-45497629-C-T. GRCh37 (hg19) VCF-style: chr21-46917543-C-T.
Other names: NM_130445.2:c.2651C>T; c.3191C>T, p.Ala1064Val (NM_030582.4); c.3896C>T, p.Ala1299Val (NM_130444.3); short protein forms A1299V, A1064V, A884V.
Identifiers: ClinVar variation 1383381 (VCV001383381.7), dbSNP rs1260999240, ClinGen allele CA410498194.

ClinVar aggregate classification (germline): Uncertain significance. Review status: criteria provided, multiple submitters, no conflicts (2 of 4 stars). 2 submissions from 2 submitters: Uncertain significance (2). Last evaluated 2025-04-03.

Conditions:
Inborn genetic diseases. Identifiers: MedGen C0950123, MeSH D030342.

Allele frequency attached by ClinVar (database versions not stated): gnomAD exomes below 0.00001 and 0.00001; TOPMed below 0.00001.
gnomAD v4.1: 6 of 1,569,870 alleles (0.00038%); highest among the groups gnomAD compares: Admixed American, 0.0019%; no homozygotes.

Submissions (2):

Ambry Genetics
Classification: Uncertain significance for Inborn genetic diseases. Last evaluated: 2025-04-03. Review status: criteria provided, single submitter. Criteria: Ambry Variant Classification Scheme 2023. Collection method: clinical testing. Allele origin: germline.

Labcorp Genetics (formerly Invitae), Labcorp
Classification: Uncertain significance. Last evaluated: 2022-08-16. Review status: criteria provided, single submitter. Criteria: Invitae Variant Classification Sherloc (09022015). Collection method: clinical testing. Allele origin: germline.
Comment: In summary, the available evidence is currently insufficient to determine the role of this variant in disease. Therefore, it has been classified as a Variant of Uncertain Significance. This sequence change replaces alanine, which is neutral and non-polar, with valine, which is neutral and non-polar, at codon 884 of the COL18A1 protein (p.Ala884Val). The frequency data for this variant in the population databases is considered unreliable, as metrics indicate poor data quality at this position in the gnomAD database. This variant has not been reported in the literature in individuals affected with COL18A1-related conditions. ClinVar contains an entry for this variant (Variation ID: 1383381). Experimental studies and prediction algorithms are not available or were not evaluated, and the functional significance of this variant is currently unknown.